The following is an entry in ClinVar:

ClinVar aggregate classification (germline): Uncertain significance (1 of 4 stars; one submission).

Conditions:
Fanconi anemia complementation group E (FANCE). Also called: FANCE-Related Fanconi Anemia. Identifiers: Orphanet 84, MedGen C3160739, MONDO:0010953, OMIM 600901.

Allele frequency attached by ClinVar (database versions not stated): gnomAD below 0.00001 and 0.00001.

Submission:

Labcorp Genetics (formerly Invitae), Labcorp
Classification: Uncertain significance for Fanconi anemia complementation group E. Last evaluated: 2023-03-13. Review status: criteria provided, single submitter. Criteria: Invitae Variant Classification Sherloc (09022015). Collection method: clinical testing. Allele origin: germline.
Comment: In summary, the available evidence is currently insufficient to determine the role of this variant in disease. Therefore, it has been classified as a Variant of Uncertain Significance. Advanced modeling of protein sequence and biophysical properties (such as structural, functional, and spatial information, amino acid conservation, physicochemical variation, residue mobility, and thermodynamic stability) performed at Invitae indicates that this missense variant is expected to disrupt FANCE protein function. ClinVar contains an entry for this variant (Variation ID: 471921). This variant has not been reported in the literature in individuals affected with FANCE-related conditions. This variant is not present in population databases (gnomAD no frequency). This sequence change replaces tryptophan, which is neutral and slightly polar, with arginine, which is basic and polar, at codon 446 of the FANCE protein (p.Trp446Arg).

NM_021922.3(FANCE):c.1336T>C (p.Trp446Arg)

Gene: FANCE (FA complementation group E; plus strand). Cytogenetic location: 6p21.31.
Variant type: single nucleotide variant.
Coding change: c.1336T>C on transcript NM_021922.3 (MANE Select); coding-DNA position 1336, T replaced by C.
Protein change: p.Trp446Arg; replaces tryptophan 446 with arginine.
Molecular consequence: missense variant.
Genome position (GRCh38, 1-based): chr6:35,460,571, T>C. VCF-style: chr6-35460571-T-C. GRCh37 (hg19) VCF-style: chr6-35428348-T-C.
Other names: short protein forms W446R.
Identifiers: ClinVar variation 471921 (VCV000471921.8), dbSNP rs1554122137, ClinGen allele CA363777714.